The following is an entry in ClinVar:

NM_001377295.2(GNAT2):c.187C>T (p.Pro63Ser)

Gene: GNAT2 (G protein subunit alpha transducin 2; minus strand). Cytogenetic location: 1p13.3.
Variant type: single nucleotide variant.
Coding change: c.187C>T on transcript NM_001377295.2 (MANE Select); coding-DNA position 187, C replaced by T.
Protein change: p.Pro63Ser; replaces proline 63 with serine.
Molecular consequence: missense variant.
Genome position (GRCh38, 1-based): chr1:109,610,156, G>A on the plus strand (C>T on the coding strand, the complement: GNAT2 is on the minus strand). VCF-style: chr1-109610156-G-A. GRCh37 (hg19) VCF-style: chr1-110152778-G-A.
Other names: c.187C>T, p.Pro63Ser (NM_001379232.1, NM_005272.5); short protein forms P63S.
Identifiers: ClinVar variation 1059314 (VCV001059314.8), dbSNP rs1649750664, ClinGen allele CA341542490.
Genomic context (GRCh38, chr1:109,610,156, plus strand): 5'-CCAGGATGGACTGCAGCACATTTCCATAGATGATAGCCTTGAACTCCAGGCATTCTTCTG[G>A]TGAATAGCCATCCTGGTGAATGATCCTGCAAGGGGCAGACACTCTGTCTTTAGCTGGACC-3'
Protein context (NP_001364224.1, residues 53-73): MKIIHQDGYS[Pro63Ser]EECLEFKAII

ClinVar aggregate classification (germline): Uncertain significance (1 of 4 stars; one submission).

Allele frequency attached by ClinVar (database versions not stated): gnomAD exomes 0.00001.
gnomAD v4.1: 4 of 1,613,968 alleles (0.00025%); highest among the groups gnomAD compares: Non-Finnish European, 0.00034%; no homozygotes.

Submission:

Labcorp Genetics (formerly Invitae), Labcorp
Classification: Uncertain significance. Last evaluated: 2022-03-10. Review status: criteria provided, single submitter. Criteria: Invitae Variant Classification Sherloc (09022015). Collection method: clinical testing. Allele origin: germline.
Comment: In summary, the available evidence is currently insufficient to determine the role of this variant in disease. Therefore, it has been classified as a Variant of Uncertain Significance. Advanced modeling of protein sequence and biophysical properties (such as structural, functional, and spatial information, amino acid conservation, physicochemical variation, residue mobility, and thermodynamic stability) performed at Invitae indicates that this missense variant is not expected to disrupt GNAT2 protein function. ClinVar contains an entry for this variant (Variation ID: 1059314). This variant has not been reported in the literature in individuals affected with GNAT2-related conditions. This variant is not present in population databases (gnomAD no frequency). This sequence change replaces proline, which is neutral and non-polar, with serine, which is neutral and polar, at codon 63 of the GNAT2 protein (p.Pro63Ser).